The following is an entry in ClinVar:

ClinVar aggregate classification (germline): Uncertain significance (1 of 4 stars; one submission).

Conditions:
Severe combined immunodeficiency due to DNA-PKcs deficiency. Also called: IMMUNODEFICIENCY 26 WITH NEUROLOGIC ABNORMALITIES; Immunodeficiency 26 with or without neurologic abnormalities. Identifiers: Orphanet 317425, MedGen C4014833, MONDO:0014423, OMIM 615966.

Submission:

Labcorp Genetics (formerly Invitae), Labcorp
Classification: Uncertain significance for Severe combined immunodeficiency due to DNA-PKcs deficiency. Last evaluated: 2021-08-19. Review status: criteria provided, single submitter. Criteria: Invitae Variant Classification Sherloc (09022015). Collection method: clinical testing. Allele origin: germline.
Comment: This sequence change replaces glutamic acid with glutamine at codon 3473 of the PRKDC protein (p.Glu3473Gln). The glutamic acid residue is highly conserved and there is a small physicochemical difference between glutamic acid and glutamine. This variant is not present in population databases (ExAC no frequency). This variant has not been reported in the literature in individuals affected with PRKDC-related conditions. Experimental studies and prediction algorithms are not available or were not evaluated, and the functional significance of this variant is currently unknown. In summary, the available evidence is currently insufficient to determine the role of this variant in disease. Therefore, it has been classified as a Variant of Uncertain Significance.

NM_006904.7(PRKDC):c.10417G>C (p.Glu3473Gln)

Gene: PRKDC (protein kinase, DNA-activated, catalytic subunit; minus strand). Cytogenetic location: 8q11.21.
Variant type: single nucleotide variant.
Coding change: c.10417G>C on transcript NM_006904.7 (MANE Select); coding-DNA position 10417, G replaced by C.
Protein change: p.Glu3473Gln; replaces glutamic acid 3473 with glutamine.
Molecular consequence: missense variant.
Genome position (GRCh38, 1-based): chr8:47,798,278, C>G on the plus strand (G>C on the coding strand, the complement: PRKDC is on the minus strand). VCF-style: chr8-47798278-C-G. GRCh37 (hg19) VCF-style: chr8-48710839-C-G.
Other names: c.10417G>C, p.Glu3473Gln (NM_001081640.2); short protein forms E3473Q.
Identifiers: ClinVar variation 1376452 (VCV001376452.6), dbSNP rs2154498140, ClinGen allele CA371134849.